The following is an entry in ClinVar:

NC_000014.8:g.(?_76090935)_(76187066_?)dup

Genes: ERG28 (ergosterol biosynthesis 28 homolog; minus strand), FLVCR2 (FLVCR choline and putative heme transporter 2; plus strand), TTLL5 (tubulin tyrosine ligase like 5; plus strand). Cytogenetic location: 14q24.3.
Variant type: Duplication.
Identifiers: ClinVar variation 1411898 (VCV001411898.4).

ClinVar aggregate classification (germline): Uncertain significance (1 of 4 stars; one submission).

Submission:

Labcorp Genetics (formerly Invitae), Labcorp
Classification: Uncertain significance. Last evaluated: 2021-05-19. Review status: criteria provided, single submitter. Criteria: Invitae Variant Classification Sherloc (09022015). Collection method: clinical testing. Allele origin: germline.
Comment: In summary, the available evidence is currently insufficient to determine the role of this variant in disease. Therefore, it has been classified as a Variant of Uncertain Significance. Experimental studies and prediction algorithms are not available or were not evaluated, and the functional significance of this variant is currently unknown. This variant has not been reported in the literature in individuals with TTLL5-related conditions. This variant results in a copy number gain of the genomic region encompassing exon(s) 1-12 of the TTLL5 gene. This region includes the initiator codon of the gene. The 5' end of this event is unknown as it extends beyond the assayed region for this gene and therefore may encompass additional genes. The 3' boundary is likely confined to intron 12 of the TTLL5 gene. As the precise location of this event is unknown, it may be in tandem or it may be located elsewhere in the genome.